The following is an entry in ClinVar:

NM_181882.3(PRX):c.1836C>T (p.Ala612=)

Gene: PRX (periaxin; minus strand). Cytogenetic location: 19q13.2.
Variant type: single nucleotide variant.
Coding change: c.1836C>T on transcript NM_181882.3 (MANE Select); coding-DNA position 1836, C replaced by T.
Protein change: p.Ala612=; no amino-acid change (alanine 612 retained).
Molecular consequence: synonymous variant. On other transcripts: 3 prime UTR variant (1).
Genome position (GRCh38, 1-based): chr19:40,396,516, G>A on the plus strand (C>T on the coding strand, the complement: PRX is on the minus strand). VCF-style: chr19-40396516-G-A. GRCh37 (hg19) VCF-style: chr19-40902423-G-A.
Other names: c.*2041C>T (NM_020956.2).
Identifiers: ClinVar variation 215546 (VCV000215546.39), dbSNP rs574899855, ClinGen allele CA338171.
Genomic context (GRCh38, chr19:40,396,516, plus strand): 5'-AGGGAGCTTCATCTCTGGGACTTTTGGAAGCTGCACTTCTGGGAGGTGCACATCGGGCAC[G>A]GCCATCTCGGGCACCTTCGGGAGTTGCACTTCAGGGAGTTTCATCTCAGGAAGTTTCATC-3'
Protein context (NP_870998.2, residues 602-622): EVQLPKVPEM[Ala612=]VPDVHLPEVQ

ClinVar aggregate classification (germline): Benign/Likely benign. Review status: criteria provided, multiple submitters, no conflicts (2 of 4 stars). 6 submissions from 6 submitters: Benign (1); Likely benign (4). 1 of the submissions does not count toward it. Last evaluated 2026-01-27.

Conditions:
Inborn genetic diseases. Identifiers: MedGen C0950123, MeSH D030342.
Charcot-Marie-Tooth disease type 4. Also called: Charcot-Marie-Tooth disease, type IV; Charcot-Marie-Tooth, Type 4. Identifiers: Orphanet 64749, MedGen C4082197, MONDO:0018995.
Charcot-Marie-Tooth disease type 4F. Also called: Charcot-Marie-Tooth disease, demyelinating, type 4F. Identifiers: Orphanet 99952, MedGen C3540453, MONDO:0013959, OMIM 614895.
PRX-related disorder. Also called: PRX-related condition; PRX-Related Disorders.

Allele frequency attached by ClinVar (database versions not stated): gnomAD 0.00010 and 0.00020; ExAC 0.00050; 1000 Genomes Project 30x 0.00078; 1000 Genomes Project 0.00100.

Submissions (6):

Labcorp Genetics (formerly Invitae), Labcorp
Classification: Benign for Charcot-Marie-Tooth disease type 4. Last evaluated: 2026-01-27. Review status: criteria provided, single submitter. Criteria: Invitae Variant Classification Sherloc (09022015). Collection method: clinical testing. Allele origin: germline.

Blueprint Genetics
Classification: Likely benign. Last evaluated: 2024-08-13. Review status: criteria provided, single submitter. Criteria: ACMG Guidelines, 2015. Collection method: clinical testing. Allele origin: germline.

CeGaT Center for Human Genetics Tuebingen
Classification: Likely benign. Last evaluated: 2024-04-01. Review status: criteria provided, single submitter. Criteria: CeGaT Center For Human Genetics Tuebingen Variant Classification Criteria Version 2. Collection method: clinical testing. Allele origin: germline. Affected: yes. Observed: 2 variant alleles.
Comment: PRX: BP4, BP7

Ambry Genetics
Classification: Likely benign for Inborn genetic diseases. Last evaluated: 2019-07-11. Review status: criteria provided, single submitter. Criteria: Ambry Variant Classification Scheme 2023. Collection method: clinical testing. Allele origin: germline.

Illumina Laboratory Services, Illumina
Classification: Likely benign for Charcot-Marie-Tooth disease type 4F. Last evaluated: 2018-01-13. Review status: criteria provided, single submitter. Criteria: ICSL Variant Classification Criteria 13 December 2019. Collection method: clinical testing. Allele origin: germline.
Comment: This variant was observed in the ICSL laboratory as part of a predisposition screen in an ostensibly healthy population. It had not been previously curated by ICSL or reported in the Human Gene Mutation Database (HGMD: prior to June 1st, 2018), and was therefore a candidate for classification through an automated scoring system. Utilizing variant allele frequency, disease prevalence and penetrance estimates, and inheritance mode, an automated score was calculated to assess if this variant is too frequent to cause the disease. Based on the score and internal cut-off values, a variant classified as likely benign is not then subjected to further curation. The score for this variant resulted in a classification of likely benign for this disease.

PreventionGenetics, part of Exact Sciences
Classification: Likely benign for PRX-related condition. Last evaluated: 2019-07-02. Review status: no assertion criteria provided. Collection method: clinical testing. Allele origin: germline. Not counted in ClinVar's aggregate classification.
Comment: This variant is classified as likely benign based on ACMG/AMP sequence variant interpretation guidelines (Richards et al. 2015 PMID: 25741868, with internal and published modifications).